The following is an entry in ClinVar:

NM_001034853.2(RPGR):c.1747G>T (p.Glu583Ter)

Gene: RPGR (retinitis pigmentosa GTPase regulator; minus strand). Cytogenetic location: Xp11.4.
Variant type: single nucleotide variant.
Coding change: c.1747G>T on transcript NM_001034853.2 (MANE Select); coding-DNA position 1747, G replaced by T.
Protein change: p.Glu583Ter; replaces glutamic acid 583 with a stop codon.
Molecular consequence: nonsense. On other transcripts: non-coding transcript variant (1), intron variant (5).
Genome position (GRCh38, 1-based): chrX:38,287,867, C>A on the plus strand (G>T on the coding strand, the complement: RPGR is on the minus strand). VCF-style: chrX-38287867-C-A. GRCh37 (hg19) VCF-style: chrX-38147120-C-A.
Other names: NM_001034853.2(RPGR):c.1747G>T; p.Glu583Ter; c.1747G>T, p.Glu583Ter (NM_000328.3); c.1744G>T, p.Glu582Ter (NM_001367245.1); c.1561G>T, p.Glu521Ter (NM_001367246.1); c.1569+3092G>T (NM_001367249.1, NM_001367250.1); c.1386+3092G>T (NM_001367251.1); c.1572+3092G>T (NM_001367247.1); and 1 more; short protein forms E583*, E582*, E521*.
Identifiers: ClinVar variation 98753 (VCV000098753.6), dbSNP rs62635013, ClinGen allele CA226374.
Genomic context (GRCh38, chrX:38,287,867, plus strand): 5'-GTAAACCCTCTCCATCAGTGTCAGCCTGAGGTCCCACCTGGCCTGTGTCATTACCTACTT[C>A]CTCATCTGAAAATGCTTCGATAGTCGTAGCTGGCTGCGTCATGAAAATCCCTTGTGACAC-3'

ClinVar aggregate classification (germline): Likely pathogenic. Review status: reviewed by expert panel (3 of 4 stars). 4 submissions from 4 submitters: Likely pathogenic (1). 3 of the submissions do not count toward it. Last evaluated 2025-09-07.

Conditions:
RPGR-related retinopathy. Also called: RPGR retinopathy. Identifiers: MedGen CN305589, MONDO:0100437.
RPGR-related disorder. Also called: RPGR-related condition.
Primary ciliary dyskinesia. Also called: Ciliary dyskinesia. Identifiers: Orphanet 244, MedGen C0008780, MONDO:0016575, HP:0012265.

Submissions (4):

ClinGen X-linked Inherited Retinal Disease Variant Curation Expert Panel, ClinGen
Classification: Likely pathogenic for RPGR-related retinopathy. Last evaluated: 2025-09-07. Review status: reviewed by expert panel. Criteria: ClinGen X LinkedIRD ACMG Specifications RPGR V1.0.0. Collection method: curation. Allele origin: germline. Inheritance: X-linked inheritance.
Comment: NM_001034853.2(RPGR):c.1747G>T (p.Glu583Ter) is a nonsense variant introducing a premature stop in codon 583 within exon 14 of 15, which is predicted to disrupt a critical C-terminal region required for proper glutamylation of RPGR (PVS1, PMID: 36445968). This variant is absent from gnomAD v4.1.0 (PM2_Supporting). This variant has been reported in at least 1 proband meeting one of the PS4 requirements of some functional vision impairment in affected males by age 30 years, and/or decreased or absent electroretinogram responses (PMID: 14564670, PMID: 17325176). However, the PS4_Supporting code requires at least 2 unrelated probands, so this criterion was not met. In summary, this variant is classified as likely pathogenic for RPGR-related retinopathy based on the ClinGen X-linked Inherited Retinal Disease Expert Panel Specifications to the ACMG/AMP Variant Interpretation Guidelines for RPGR Version 1.0.0; PVS1 and PM2_Supporting.

Labcorp Genetics (formerly Invitae), Labcorp
Classification: Pathogenic for Primary ciliary dyskinesia. Last evaluated: 2022-12-29. Review status: criteria provided, single submitter. Criteria: Invitae Variant Classification Sherloc (09022015). Collection method: clinical testing. Allele origin: germline. Not counted in ClinVar's aggregate classification.
Comment: For these reasons, this variant has been classified as Pathogenic. Algorithms developed to predict the effect of sequence changes on RNA splicing suggest that this variant may disrupt the consensus splice site. ClinVar contains an entry for this variant (Variation ID: 98753). This premature translational stop signal has been observed in individual(s) with RPGR-related retinal dystrophy (PMID: 14564670). This variant is not present in population databases (gnomAD no frequency). This sequence change creates a premature translational stop signal (p.Glu583*) in the RPGR gene. It is expected to result in an absent or disrupted protein product. Loss-of-function variants in RPGR are known to be pathogenic (PMID: 16055928, 16969763).

Blueprint Genetics
Classification: Pathogenic for RPGR-related disorders. Last evaluated: 2021-12-16. Review status: criteria provided, single submitter. Criteria: ACMG Guidelines, 2015. Collection method: clinical testing. Allele origin: germline. Affected: yes. Observed: 1 variant allele. Not counted in ClinVar's aggregate classification.

Retina International
No classification provided. Review status: no classification provided. Collection method: not provided. Allele origin: not provided. Not counted in ClinVar's aggregate classification.

Literature cited by the submitters: PubMed 14564670 (cited by Labcorp Genetics (formerly Invitae), Labcorp); PubMed 16055928 (cited by Labcorp Genetics (formerly Invitae), Labcorp); PubMed 16969763 (cited by Labcorp Genetics (formerly Invitae), Labcorp).